The following is an entry in ClinVar:

ClinVar aggregate classification (germline): Uncertain significance (1 of 4 stars; one submission).

Submission:

Labcorp Genetics (formerly Invitae), Labcorp
Classification: Uncertain significance. Last evaluated: 2025-05-25. Review status: criteria provided, single submitter. Criteria: Invitae Variant Classification Sherloc (09022015). Collection method: clinical testing. Allele origin: germline.
Comment: This sequence change replaces serine, which is neutral and polar, with isoleucine, which is neutral and non-polar, at codon 587 of the MKL1 protein (p.Ser587Ile). This variant is not present in population databases (gnomAD no frequency). This variant has not been reported in the literature in individuals affected with MKL1-related conditions. An algorithm developed to predict the effect of missense changes on protein structure and function (PolyPhen-2) suggests that this variant is likely to be disruptive. In summary, the available evidence is currently insufficient to determine the role of this variant in disease. Therefore, it has been classified as a Variant of Uncertain Significance.

NM_020831.6(MRTFA):c.2060G>T (p.Ser687Ile)

Gene: MRTFA (myocardin related transcription factor A; minus strand). Cytogenetic location: 22q13.1.
Variant type: single nucleotide variant.
Coding change: c.2060G>T on transcript NM_020831.6 (MANE Select); coding-DNA position 2060, G replaced by T.
Protein change: p.Ser687Ile; replaces serine 687 with isoleucine.
Molecular consequence: missense variant.
Genome position (GRCh38, 1-based): chr22:40,418,678, C>A on the plus strand (G>T on the coding strand, the complement: MRTFA is on the minus strand). VCF-style: chr22-40418678-C-A. GRCh37 (hg19) VCF-style: chr22-40814682-C-A.
Other names: c.1760G>T, p.Ser587Ile (NM_001282660.2); c.1910G>T, p.Ser637Ile (NM_001282661.3); c.2060G>T, p.Ser687Ile (NM_001282662.3); c.1865G>T, p.Ser622Ile (NM_001318139.2); short protein forms S587I, S637I, S622I, S687I.
Identifiers: ClinVar variation 4760284 (VCV004760284.1).